The following is an entry in ClinVar:

ClinVar aggregate classification (germline): Pathogenic (1 of 4 stars; one submission).

Conditions:
Hereditary cancer-predisposing syndrome. Also called: Hereditary Cancer Syndrome; Hereditary neoplastic syndrome; Tumor predisposition; Neoplastic Syndromes, Hereditary. Identifiers: Orphanet 140162, MedGen C0027672, MeSH D009386, MONDO:0015356.
Cardiovascular phenotype. Identifiers: MedGen CN230736.

Submission:

Ambry Genetics
Classification: Pathogenic for Cardiovascular phenotype; Hereditary cancer-predisposing syndrome. Last evaluated: 2022-10-28. Review status: criteria provided, single submitter. Criteria: Ambry Variant Classification Scheme 2023. Collection method: clinical testing. Allele origin: germline.
Comment: The c.2395delA pathogenic mutation, located in coding exon 20 of the NF1 gene, results from a deletion of one nucleotide at nucleotide position 2395, causing a translational frameshift with a predicted alternate stop codon (p.M799Wfs*22). This alteration is expected to result in loss of function by premature protein truncation or nonsense-mediated mRNA decay. As such, this alteration is interpreted as a disease-causing mutation.

NM_001042492.3(NF1):c.2395del (p.Met799fs)

Gene: NF1 (neurofibromin 1; plus strand). Cytogenetic location: 17q11.2.
Variant type: Deletion.
Coding change: c.2395del on transcript NM_001042492.3 (MANE Select); coding-DNA position 2395, one base deleted (A; older notation c.2395delA).
Protein change: p.Met799fs; shifts the reading frame from methionine 799.
Molecular consequence: frameshift variant.
Genome position (GRCh38, 1-based): chr17:31,227,592, A deleted; the last of 4 consecutive A bases (chr17:31,227,589-31,227,592); deleting any one gives the same sequence. VCF-style (leftmost placement, unchanged base first): chr17-31227588-CA-C. GRCh37 (hg19) VCF-style: chr17-29554606-CA-C.
Other names: c.2395delA (NM_000267.3); c.2395delA, p.Met799Trpfs (NM_000267.4); short protein forms M799fs.
Identifiers: ClinVar variation 1790613 (VCV001790613.2), dbSNP rs769824863, ClinGen allele CA8485971.
Genomic context (GRCh38, chr17:31,227,588, plus strand): 5'-GGAAGATACACATGCAAAATGGGAACAAGCAACAAAGCTAATCCTTAACTATCCAAAAGC[CA>C]AAATGGAAGATGGCCAGGTAAGTCTGTAAAGTTGACTTTTGTCTGTTAACTGATCTGCTA-3'